The following is an entry in ClinVar:

ClinVar aggregate classification (germline): Uncertain significance (1 of 4 stars; one submission).

Conditions:
Ullrich congenital muscular dystrophy 2 (UCMD2). Identifiers: Orphanet 75840, MedGen C4225314, MONDO:0014654, OMIM 616470.
Bethlem myopathy 2 (BTHLM2). Identifiers: Orphanet 536516, Orphanet 610, MedGen C4225313, MONDO:0034022, OMIM 616471.

Submission:

Labcorp Genetics (formerly Invitae), Labcorp
Classification: Uncertain significance for Bethlem myopathy 2; Ullrich congenital muscular dystrophy 2. Last evaluated: 2021-08-04. Review status: criteria provided, single submitter. Criteria: Invitae Variant Classification Sherloc (09022015). Collection method: clinical testing. Allele origin: germline.
Comment: In summary, the available evidence is currently insufficient to determine the role of this variant in disease. Therefore, it has been classified as a Variant of Uncertain Significance. Algorithms developed to predict the effect of missense changes on protein structure and function are either unavailable or do not agree on the potential impact of this missense change (SIFT: "Deleterious"; PolyPhen-2: "Possibly Damaging"; Align-GVGD: "Class C0"). This variant has not been reported in the literature in individuals affected with COL12A1-related conditions. This variant is not present in population databases (ExAC no frequency). This sequence change replaces glutamic acid with glutamine at codon 1886 of the COL12A1 protein (p.Glu1886Gln). The glutamic acid residue is moderately conserved and there is a small physicochemical difference between glutamic acid and glutamine.

NM_004370.6(COL12A1):c.5656G>C (p.Glu1886Gln)

Gene: COL12A1 (collagen type XII alpha 1 chain; minus strand). Cytogenetic location: 6q13.
Variant type: single nucleotide variant.
Coding change: c.5656G>C on transcript NM_004370.6 (MANE Select); coding-DNA position 5656, G replaced by C.
Protein change: p.Glu1886Gln; replaces glutamic acid 1886 with glutamine.
Molecular consequence: missense variant.
Genome position (GRCh38, 1-based): chr6:75,133,866, C>G on the plus strand (G>C on the coding strand, the complement: COL12A1 is on the minus strand). VCF-style: chr6-75133866-C-G. GRCh37 (hg19) VCF-style: chr6-75843582-C-G.
Other names: c.2164G>C, p.Glu722Gln (NM_080645.3); short protein forms E722Q, E1886Q.
Identifiers: ClinVar variation 1495819 (VCV001495819.6), dbSNP rs1242897212, ClinGen allele CA364734709.